The following is an entry in ClinVar:

NM_000389.5(CDKN1A):c.12G>A (p.Pro4=)

Gene: CDKN1A (cyclin dependent kinase inhibitor 1A; plus strand). Cytogenetic location: 6p21.2.
Variant type: single nucleotide variant.
Coding change: c.12G>A on transcript NM_000389.5 (MANE Select); coding-DNA position 12, G replaced by A.
Protein change: p.Pro4=; no amino-acid change (proline 4 retained).
Molecular consequence: synonymous variant.
Genome position (GRCh38, 1-based): chr6:36,684,113, G>A. VCF-style: chr6-36684113-G-A. GRCh37 (hg19) VCF-style: chr6-36651890-G-A.
Other names: c.12G>A, p.Pro4= (NM_001220777.2, NM_001220778.2, NM_001374511.1 and 3 more transcripts); c.114G>A, p.Pro38= (NM_001291549.3, NM_001374509.1); c.51G>A, p.Pro17= (NM_001374510.1).
Identifiers: ClinVar variation 736380 (VCV000736380.16), dbSNP rs4986868, ClinGen allele CA3780302.
Genomic context (GRCh38, chr6:36,684,113, plus strand): 5'-TAATCTCCGCCGTGACCAGGGCCTTCCTTGTATCTCTGCTGCAGGCGCCATGTCAGAACC[G>A]GCTGGGGATGTCCGTCAGAACCCATGCGGCAGCAAGGCCTGCCGCCGCCTCTTCGGCCCA-3'
Protein context (NP_000380.1, residues 1-14): MSE[Pro4=]AGDVRQNPCG

ClinVar aggregate classification (germline): Benign/Likely benign. Review status: criteria provided, multiple submitters, no conflicts (2 of 4 stars). 2 submissions from 2 submitters: Benign (1); Likely benign (1). Last evaluated 2025-11-01.

Allele frequency attached by ClinVar (database versions not stated): ESP Exome Variant Server 0.00177; TOPMed 0.00193; 1000 Genomes Project 0.00160; 1000 Genomes Project 30x 0.00172.

Submissions (2):

CeGaT Center for Human Genetics Tuebingen
Classification: Likely benign. Last evaluated: 2025-11-01. Review status: criteria provided, single submitter. Criteria: CeGaT Center For Human Genetics Tuebingen Variant Classification Criteria Version 2. Collection method: clinical testing. Allele origin: germline. Affected: yes. Observed: 4 variant alleles.
Comment: CDKN1A: BP4, BP7

Labcorp Genetics (formerly Invitae), Labcorp
Classification: Benign. Last evaluated: 2018-04-24. Review status: criteria provided, single submitter. Criteria: Invitae Variant Classification Sherloc (09022015). Collection method: clinical testing. Allele origin: germline.